The following is an entry in ClinVar:

NM_000350.3(ABCA4):c.4966G>C (p.Val1656Leu)

Genes: ABCA4 (ATP binding cassette subfamily A member 4; minus strand), LOC126805793 (CDK7 strongly-dependent group 2 enhancer GRCh37_chr1:94486302-94487501; plus strand). Cytogenetic location: 1p22.1.
Variant type: single nucleotide variant.
Coding change: c.4966G>C on transcript NM_000350.3 (MANE Select); coding-DNA position 4966, G replaced by C.
Protein change: p.Val1656Leu; replaces valine 1656 with leucine.
Molecular consequence: missense variant.
Genome position (GRCh38, 1-based): chr1:94,021,292, C>G on the plus strand (G>C on the coding strand, the complement: ABCA4 is on the minus strand). VCF-style: chr1-94021292-C-G. GRCh37 (hg19) VCF-style: chr1-94486848-C-G.
Other names: c.4744G>C, p.Val1582Leu (NM_001425324.1); short protein forms V1656L, V1582L.
Identifiers: ClinVar variation 3686370 (VCV003686370.2).

ClinVar aggregate classification (germline): Uncertain significance (1 of 4 stars; one submission).

gnomAD v4.1: 1 of 1,614,176 alleles (0.000062%); no homozygotes.

Submission:

Labcorp Genetics (formerly Invitae), Labcorp
Classification: Uncertain significance. Last evaluated: 2024-06-03. Review status: criteria provided, single submitter. Criteria: Invitae Variant Classification Sherloc (09022015). Collection method: clinical testing. Allele origin: germline.
Comment: This sequence change replaces valine, which is neutral and non-polar, with leucine, which is neutral and non-polar, at codon 1656 of the ABCA4 protein (p.Val1656Leu). This variant is present in population databases (no rsID available, gnomAD 0.0009%). This variant has not been reported in the literature in individuals affected with ABCA4-related conditions. Advanced modeling of protein sequence and biophysical properties (such as structural, functional, and spatial information, amino acid conservation, physicochemical variation, residue mobility, and thermodynamic stability) performed at Invitae indicates that this missense variant is not expected to disrupt ABCA4 protein function with a negative predictive value of 95%. In summary, the available evidence is currently insufficient to determine the role of this variant in disease. Therefore, it has been classified as a Variant of Uncertain Significance.